The following is an entry in ClinVar:

ClinVar aggregate classification (germline): Pathogenic (1 of 4 stars; one submission).

Conditions:
Hereditary breast ovarian cancer syndrome. Also called: Hereditary breast and ovarian cancer syndrome (HBOC); Hereditary breast and ovarian cancer syndrome; Hereditary breast and ovarian cancer; Breast and ovarian cancer; BRCA1- and BRCA2-Associated Hereditary Breast and Ovarian Cancer; Hereditary breast and/or ovarian cancer syndrome. Identifiers: Orphanet 145, MedGen C0677776, MeSH D061325, MONDO:0003582. Disease mechanism: loss of function.

Submission:

Labcorp Genetics (formerly Invitae), Labcorp
Classification: Pathogenic for Hereditary breast ovarian cancer syndrome. Last evaluated: 2022-06-29. Review status: criteria provided, single submitter. Criteria: Invitae Variant Classification Sherloc (09022015). Collection method: clinical testing. Allele origin: germline.
Comment: For these reasons, this variant has been classified as Pathogenic. This variant has not been reported in the literature in individuals affected with BRCA1-related conditions. This variant is not present in population databases (gnomAD no frequency). This sequence change creates a premature translational stop signal (p.Asp1533Glufs*15) in the BRCA1 gene. It is expected to result in an absent or disrupted protein product. Loss-of-function variants in BRCA1 are known to be pathogenic (PMID: 20104584).

Literature cited by the submitters: PubMed 20104584.

NM_007294.4(BRCA1):c.4599del (p.Asp1533fs)

Gene: BRCA1 (BRCA1 DNA repair associated; minus strand). Cytogenetic location: 17q21.31.
Variant type: Deletion.
Coding change: c.4599del on transcript NM_007294.4 (MANE Select); coding-DNA position 4599, one base deleted (T; older notation c.4599delT).
Protein change: p.Asp1533fs; shifts the reading frame from aspartic acid 1533.
Molecular consequence: frameshift variant. On other transcripts: non-coding transcript variant (1).
Genome position (GRCh38, 1-based): chr17:43,074,407, A deleted on the plus strand (T on the coding strand, the reverse complement: BRCA1 is on the minus strand). VCF-style (leftmost placement, unchanged base first): chr17-43074406-CA-C. GRCh37 (hg19) VCF-style: chr17-41226423-CA-C.
Other names: c.4386delT, p.Asp1462Glufs (NM_001407571.1, NM_001407894.1, NM_001407895.1 and 12 more transcripts); c.4665delT, p.Asp1555Glufs (NM_001407581.1, NM_001407582.1); c.4662delT, p.Asp1554Glufs (NM_001407583.1, NM_001407585.1, NM_001407587.1); c.4659delT, p.Asp1553Glufs (NM_001407590.1, NM_001407591.1); c.4599delT, p.Asp1533Glufs (NM_001407593.1, NM_001407594.1, NM_001407596.1 and 8 more transcripts); c.4596delT, p.Asp1532Glufs (NM_001407610.1, NM_001407611.1, NM_001407612.1 and 17 more transcripts); c.4593delT, p.Asp1531Glufs (NM_001407627.1, NM_001407628.1, NM_001407629.1 and 14 more transcripts); c.4590delT, p.Asp1530Glufs (NM_001407644.1, NM_001407645.1); and 71 more; short protein forms D1486fs, D1533fs, D1554fs, D429fs.
Identifiers: ClinVar variation 2012064 (VCV002012064.4), dbSNP rs2551470484, ClinGen allele CA2580094237.